The following is an entry in ClinVar:

NM_017757.3(ZNF407):c.3440_3441del (p.Ser1147fs)

Genes: ZNF407 (zinc finger protein 407; plus strand), LOC126862798 (MED14-independent group 3 enhancer GRCh37_chr18:72345358-72346557; plus strand). Cytogenetic location: 18q22.3.
Variant type: Microsatellite.
Coding change: c.3440_3441del on transcript NM_017757.3 (MANE Select); coding-DNA positions 3440 to 3441, 2 bases deleted (CT; older notation c.3440_3441delCT).
Protein change: p.Ser1147fs; shifts the reading frame from serine 1147.
Molecular consequence: frameshift variant.
Genome position (GRCh38, 1-based): chr18:74,634,459-74,634,460, CT deleted; deleting any 2 consecutive bases within chr18:74,634,457-74,634,460 gives the same sequence; the c. name uses the placement nearest the transcript's 3' end. VCF-style (leftmost placement, unchanged base first): chr18-74634456-ACT-A. GRCh37 (hg19) VCF-style: chr18-72346412-ACT-A.
Other names: c.3440_3441del, p.Ser1147fs (NM_001146189.1, NM_001146190.1, NM_001384475.1); short protein forms S1147fs.
Identifiers: ClinVar variation 3359675 (VCV003359675.1).

ClinVar aggregate classification (germline): Uncertain significance (1 of 4 stars; one submission).

Submission:

GeneDx
Classification: Uncertain significance. Last evaluated: 2023-06-12. Review status: criteria provided, single submitter. Criteria: GeneDx Variant Classification Process June 2021. Collection method: clinical testing. Allele origin: germline. Affected: yes.
Comment: Frameshift variant predicted result in protein truncation or nonsense mediated decay in a gene for which loss-of-function is not a known mechanism of disease.; Not observed at significant frequency in large population cohorts (gnomAD); Has not been previously published as pathogenic or benign to our knowledge